The following is an entry in ClinVar:

NM_031220.4(PITPNM3):c.1625-9G>A

Gene: PITPNM3 (PITPNM family member 3; minus strand). Cytogenetic location: 17p13.2.
Variant type: single nucleotide variant.
Coding change: c.1625-9G>A on transcript NM_031220.4 (MANE Select); 9 bases into the intron before coding-DNA position 1625, G replaced by A.
Molecular consequence: intron variant.
Genome position (GRCh38, 1-based): chr17:6,470,417, C>T on the plus strand (G>A on the coding strand, the complement: PITPNM3 is on the minus strand). VCF-style: chr17-6470417-C-T. GRCh37 (hg19) VCF-style: chr17-6373737-C-T.
Other names: c.1517-9G>A (NM_001165966.2).
Identifiers: ClinVar variation 194273 (VCV000194273.20), dbSNP rs11654175, ClinGen allele CA201081.

ClinVar aggregate classification (germline): Benign. Review status: criteria provided, multiple submitters, no conflicts (2 of 4 stars). 7 submissions from 7 submitters: Benign (7). Last evaluated 2026-02-04.

Conditions:
Cone-rod dystrophy 5 (CORD5). Identifiers: Orphanet 1872, MedGen C1832976, MONDO:0010969, OMIM 600977.

Allele frequency attached by ClinVar (database versions not stated): 1000 Genomes Project 0.27077; 1000 Genomes Project 30x 0.27295; TOPMed 0.35819; gnomAD 0.36392 and 0.36838; ExAC 0.37393; gnomAD exomes 0.37680 and 0.42674; ESP Exome Variant Server 0.37890.
gnomAD v4.1: 678,618 of 1,613,536 alleles (42%); highest among the groups gnomAD compares: Middle Eastern, 48%; 148,767 homozygotes.

Submissions (7):

Labcorp Genetics (formerly Invitae), Labcorp
Classification: Benign. Last evaluated: 2026-02-04. Review status: criteria provided, single submitter. Criteria: Invitae Variant Classification Sherloc (09022015). Collection method: clinical testing. Allele origin: germline.

Genome-Nilou Lab
Classification: Benign for Cone-rod dystrophy 5. Last evaluated: 2021-09-05. Review status: criteria provided, single submitter. Criteria: ACMG Guidelines, 2015. Collection method: clinical testing. Allele origin: germline. Affected: no.

GeneDx
Classification: Benign. Last evaluated: 2018-04-26. Review status: criteria provided, single submitter. Criteria: GeneDx Variant Classification (06012015). Collection method: clinical testing. Allele origin: germline. Affected: yes.
Comment: This variant is considered likely benign or benign based on one or more of the following criteria: it is a conservative change, it occurs at a poorly conserved position in the protein, it is predicted to be benign by multiple in silico algorithms, and/or has population frequency not consistent with disease.

Illumina Laboratory Services, Illumina
Classification: Benign for Cone-rod dystrophy 5. Last evaluated: 2018-01-13. Review status: criteria provided, single submitter. Criteria: ICSL Variant Classification Criteria 13 December 2019. Collection method: clinical testing. Allele origin: germline.
Comment: This variant was observed in the ICSL laboratory as part of a predisposition screen in an ostensibly healthy population. It had not been previously curated by ICSL or reported in the Human Gene Mutation Database (HGMD: prior to June 1st, 2018), and was therefore a candidate for classification through an automated scoring system. Utilizing variant allele frequency, disease prevalence and penetrance estimates, and inheritance mode, an automated score was calculated to assess if this variant is too frequent to cause the disease. Based on the score and internal cut-off values, a variant classified as benign is not then subjected to further curation. The score for this variant resulted in a classification of benign for this disease.

Eurofins Ntd Llc (ga)
Classification: Benign. Last evaluated: 2016-10-27. Review status: criteria provided, single submitter. Criteria: EGL Classification Definitions 2015. Collection method: clinical testing. Allele origin: germline. Observed: 31 variant alleles, 21 heterozygotes, 10 homozygotes.

Breakthrough Genomics
Classification: Benign. Review status: criteria provided, single submitter. Criteria: ACMG Guidelines, 2015. Collection method: not provided. Allele origin: germline. Inheritance: Autosomal dominant inheritance. Affected: yes.

PreventionGenetics, part of Exact Sciences
Classification: Benign. Review status: criteria provided, single submitter. Criteria: ACMG Guidelines, 2015. Collection method: clinical testing. Allele origin: germline.